The following is an entry in ClinVar:

ClinVar aggregate classification (germline): Uncertain significance (1 of 4 stars; one submission).

Submission:

Labcorp Genetics (formerly Invitae), Labcorp
Classification: Uncertain significance. Last evaluated: 2025-08-17. Review status: criteria provided, single submitter. Criteria: Invitae Variant Classification Sherloc (09022015). Collection method: clinical testing. Allele origin: germline.
Comment: This sequence change replaces threonine, which is neutral and polar, with isoleucine, which is neutral and non-polar, at codon 3665 of the HMCN1 protein (p.Thr3665Ile). This variant is not present in population databases (gnomAD no frequency). This variant has not been reported in the literature in individuals affected with HMCN1-related conditions. An algorithm developed to predict the effect of missense changes on protein structure and function (PolyPhen-2) suggests that this variant is likely to be tolerated. In summary, the available evidence is currently insufficient to determine the role of this variant in disease. Therefore, it has been classified as a Variant of Uncertain Significance.

NM_031935.3(HMCN1):c.10994C>T (p.Thr3665Ile)

Gene: HMCN1 (hemicentin 1; plus strand). Cytogenetic location: 1q31.1.
Variant type: single nucleotide variant.
Coding change: c.10994C>T on transcript NM_031935.3 (MANE Select); coding-DNA position 10994, C replaced by T.
Protein change: p.Thr3665Ile; replaces threonine 3665 with isoleucine.
Molecular consequence: missense variant.
Genome position (GRCh38, 1-based): chr1:186,112,816, C>T. VCF-style: chr1-186112816-C-T. GRCh37 (hg19) VCF-style: chr1-186081948-C-T.
Other names: short protein forms T3665I.
Identifiers: ClinVar variation 4725536 (VCV004725536.1).